The following is an entry in ClinVar:

ClinVar aggregate classification (germline): Likely benign. Review status: criteria provided, single submitter (1 of 4 stars). 2 submissions from 2 submitters: Likely benign (1). 1 of the submissions does not count toward it. Last evaluated 2024-05-30.

Conditions:
MYRF-related disorder. Also called: MYRF-related disorders; MYRF-related condition.

Allele frequency attached by ClinVar (database versions not stated): gnomAD exomes 0.00021; gnomAD 0.00028; TOPMed 0.00030; 1000 Genomes Project 30x 0.00094; 1000 Genomes Project 0.00100; ExAC 0.00206.

Submissions (2):

Blueprint Genetics
Classification: Likely benign. Last evaluated: 2024-05-30. Review status: criteria provided, single submitter. Criteria: ACMG Guidelines, 2015. Collection method: clinical testing. Allele origin: germline.

PreventionGenetics, part of Exact Sciences
Classification: Benign for MYRF-related condition. Last evaluated: 2019-09-10. Review status: no assertion criteria provided. Collection method: clinical testing. Allele origin: germline. Not counted in ClinVar's aggregate classification.
Comment: This variant is classified as benign based on ACMG/AMP sequence variant interpretation guidelines (Richards et al. 2015 PMID: 25741868, with internal and published modifications).

NM_001127392.3(MYRF):c.154G>A (p.Ala52Thr)

Gene: MYRF (myelin regulatory factor; plus strand). Cytogenetic location: 11q12.2.
Variant type: single nucleotide variant.
Coding change: c.154G>A on transcript NM_001127392.3 (MANE Select); coding-DNA position 154, G replaced by A.
Protein change: p.Ala52Thr; replaces alanine 52 with threonine.
Molecular consequence: missense variant.
Genome position (GRCh38, 1-based): chr11:61,765,977, G>A. VCF-style: chr11-61765977-G-A. GRCh37 (hg19) VCF-style: chr11-61533449-G-A.
Other names: c.127G>A, p.Ala43Thr (NM_013279.4); short protein forms A43T, A52T.
Identifiers: ClinVar variation 3043481 (VCV003043481.3), dbSNP rs202176179, ClinGen allele CA6037455.